The following is an entry in ClinVar:

ClinVar aggregate classification (germline): Likely benign. Review status: criteria provided, single submitter (1 of 4 stars). 2 submissions from 2 submitters: Likely benign (1). 1 of the submissions does not count toward it. Last evaluated 2024-09-27.

Conditions:
TLL1-related disorder. Also called: TLL1-related condition.

Allele frequency attached by ClinVar (database versions not stated): 1000 Genomes Project 30x 0.00031; ESP Exome Variant Server 0.00031; 1000 Genomes Project 0.00040; TOPMed 0.00047.
gnomAD v4.1: 677 of 1,613,004 alleles (0.042%); highest among the groups gnomAD compares: Middle Eastern, 0.76%; 2 homozygotes.

Submissions (2):

Blueprint Genetics
Classification: Likely benign. Last evaluated: 2024-09-27. Review status: criteria provided, single submitter. Criteria: ACMG Guidelines, 2015. Collection method: clinical testing. Allele origin: germline.

PreventionGenetics, part of Exact Sciences
Classification: Likely benign for TLL1-related condition. Last evaluated: 2022-10-03. Review status: no assertion criteria provided. Collection method: clinical testing. Allele origin: germline. Not counted in ClinVar's aggregate classification.
Comment: This variant is classified as likely benign based on ACMG/AMP sequence variant interpretation guidelines (Richards et al. 2015 PMID: 25741868, with internal and published modifications).

NM_012464.5(TLL1):c.2083G>A (p.Ala695Thr)

Gene: TLL1 (tolloid like 1; plus strand). Cytogenetic location: 4q32.3.
Variant type: single nucleotide variant.
Coding change: c.2083G>A on transcript NM_012464.5 (MANE Select); coding-DNA position 2083, G replaced by A.
Protein change: p.Ala695Thr; replaces alanine 695 with threonine.
Molecular consequence: missense variant.
Genome position (GRCh38, 1-based): chr4:166,065,758, G>A. VCF-style: chr4-166065758-G-A. GRCh37 (hg19) VCF-style: chr4-166986910-G-A.
Other names: short protein forms A695T.
Identifiers: ClinVar variation 3056559 (VCV003056559.3), dbSNP rs150316679, ClinGen allele CA3131106.